The following is an entry in ClinVar:

NM_000545.8(HNF1A):c.1380_1406del (p.Gln460_Leu468del)

Gene: HNF1A (HNF1 homeobox A; plus strand). Cytogenetic location: 12q24.31.
Variant type: Deletion.
Coding change: c.1380_1406del on transcript NM_000545.8 (MANE Select); coding-DNA positions 1380 to 1406, 27 bases deleted (GCCCGTCCAGTTCTCCCAGCCGCTGCA).
Protein change: p.Gln460_Leu468del.
Molecular consequence: inframe deletion.
Genome position (GRCh38, 1-based): chr12:120,997,544-120,997,570, GCCCGTCCAGTTCTCCCAGCCGCTGCA deleted; deleting any 27 consecutive bases within chr12:120,997,539-120,997,570 gives the same sequence; the c. name uses the placement nearest the transcript's 3' end. VCF-style (leftmost placement, unchanged base first): chr12-120997538-CCTGCAGCCCGTCCAGTTCTCCCAGCCG-C. GRCh37 (hg19) VCF-style: chr12-121435341-CCTGCAGCCCGTCCAGTTCTCCCAGCCG-C.
Other names: c.1380_1406del27 (NM_000545.8, NM_000545.5); c.1380_1406del, p.Gln460_Leu468del (NM_001306179.2).
Identifiers: ClinVar variation 1026109 (VCV001026109.16), dbSNP rs544842497, ClinGen allele CA6832029.

ClinVar aggregate classification (germline): Conflicting classifications of pathogenicity. Review status: criteria provided, conflicting classifications (1 of 4 stars). 9 submissions from 9 submitters: Uncertain significance (6); Likely benign (2). 1 of the submissions does not count toward it. Last evaluated 2025-11-03.

Conditions:
Type 1 diabetes mellitus 20 (T1D20). Also called: Diabetes mellitus, insulin-dependent, 20. Identifiers: MedGen C2675866, MONDO:0012919, OMIM 612520.
Maturity-onset diabetes of the young type 3. Also called: MODY type 3; MODY, type III. Identifiers: Orphanet 552, MedGen C1838100, MeSH C563933, MONDO:0010894, OMIM 600496. Disease mechanism: loss of function.
Type 2 diabetes mellitus. Also called: Type II diabetes mellitus. Identifiers: MedGen C0011860, MeSH D003924, MONDO:0005148, OMIM 125853, HP:0005978.
Diabetes mellitus type 1 (T1D). Also called: Diabetes Mellitus, Juvenile-Onset; Type I diabetes mellitus. Identifiers: MedGen C0011854, MONDO:0005147, OMIM 222100, HP:0100651.
Maturity-onset diabetes of the young (MODY). Also called: Maturity onset diabetes mellitus in young. Identifiers: Orphanet 552, MedGen C0342276, MONDO:0018911, HP:0004904.

Submissions (9):

Women's Health and Genetics/Laboratory Corporation of America, LabCorp
Classification: Uncertain significance. Last evaluated: 2025-11-03. Review status: criteria provided, single submitter. Criteria: LabCorp Variant Classification Summary - May 2015. Collection method: clinical testing. Allele origin: germline.
Comment: Variant summary: HNF1A c.1380_1406del27 (p.Gln460_Leu468del) results in an in-frame deletion that is predicted to remove 9 amino acids from the encoded protein. The variant allele was found at a frequency of 5.6e-05 in 250142 control chromosomes. The observed variant frequency exceeds the estimated maximal expected allele frequency for disease-causing variants in HNF1A. To our knowledge, no occurrence of c.1380_1406del27 in individuals affected with HNF1A-related conditions and no experimental evidence demonstrating its impact on protein function have been reported. ClinVar contains an entry for this variant (Variation ID: 1026109). Based on the evidence outlined above, the variant was classified as uncertain significance.

Athena Diagnostics
Classification: Uncertain significance. Last evaluated: 2025-08-20. Review status: criteria provided, single submitter. Criteria: Athena Diagnostics Criteria. Collection method: clinical testing. Allele origin: unknown.
Comment: Available data are insufficient to determine the clinical significance of the variant at this time. The frequency of this variant in the general population is higher than would generally be expected for pathogenic variants in this gene.

GeneDx
Classification: Uncertain significance. Last evaluated: 2025-06-24. Review status: criteria provided, single submitter. Criteria: GeneDx Variant Classification Process June 2021. Collection method: clinical testing. Allele origin: germline. Affected: yes.
Comment: Reported in a patient with diabetes in published literature; clinical data not provided (PMID: 31291970); In-frame deletion of 9 amino acid(s) in a non-repeat region; In silico analysis supports a deleterious effect on protein structure/function; This variant is associated with the following publications: (PMID: 21224407, 31291970)

Blueprint Genetics
Classification: Likely benign. Last evaluated: 2022-09-07. Review status: criteria provided, single submitter. Criteria: ACMG Guidelines, 2015. Collection method: clinical testing. Allele origin: germline.

Labcorp Genetics (formerly Invitae), Labcorp
Classification: Uncertain significance. Last evaluated: 2022-04-25. Review status: criteria provided, single submitter. Criteria: Invitae Variant Classification Sherloc (09022015). Collection method: clinical testing. Allele origin: germline.
Comment: This variant, c.1380_1406del, results in the deletion of 9 amino acid(s) of the HNF1A protein (p.Gln460_Leu468del), but otherwise preserves the integrity of the reading frame. This variant is present in population databases (rs544842497, gnomAD 0.03%). This variant has not been reported in the literature in individuals affected with HNF1A-related conditions. ClinVar contains an entry for this variant (Variation ID: 1026109). Experimental studies and prediction algorithms are not available or were not evaluated, and the functional significance of this variant is currently unknown. In summary, the available evidence is currently insufficient to determine the role of this variant in disease. Therefore, it has been classified as a Variant of Uncertain Significance.

New York Genome Center
Classification: Uncertain significance for Diabetes mellitus type 1; Maturity-onset diabetes of the young type 3; Type 1 diabetes mellitus 20; Type 2 diabetes mellitus. Last evaluated: 2022-03-01. Review status: criteria provided, single submitter. Criteria: NYGC Assertion Criteria 2020. Collection method: clinical testing. Allele origin: germline. Observed: 1 heterozygote.
Comment: The c.1380_1406del variant identified in the HNF1A gene results in an in-frame deletion of 9 amino acids (p.Gln460_Leu468del) in the transactivation domain of the HNF1A protein (PMID: 26853433) and is expected to preserve the integrity of the reading frame. This variant has not been reported in affected individuals in the literature. The variant has 0.0002299 allele frequency in the gnomAD (v3.1.2) database (35 out of 152244 heterozygous alleles, no homozygotes) and 0.00005597 allele frequency in the gnomAD (v2.1.1) database (14 out of 250142 heterozygous alleles, no homozygotes). This variant is reported as a variant of uncertain significance in the ClinVar database (Variation ID: 1026109). Based on the available evidence, the heterozygous c.1380_1406del (p.Gln460_Leu468del) variant identified in the HNF1A gene is reported as a Variant of Uncertain Significance.

Ambry Genetics
Classification: Uncertain significance for Maturity-onset diabetes of the young. Last evaluated: 2017-02-06. Review status: criteria provided, single submitter. Criteria: Ambry Variant Classification Scheme 2023. Collection method: clinical testing. Allele origin: germline.
Comment: The c.1380_1406del27 variant (also known as p.Q460_L468del) is located in coding exon 7 of the HNF1A gene. This variant results from an in-frame deletion of 27 nucleotides at positions 1380 to 1046. This results in the deletion of 9 residues between codons 460 and 468. Since supporting evidence is limited at this time, the clinical significance of this alteration remains unclear.

Clinical Genomics, Uppaluri K&H Personalized Medicine Clinic
Classification: Likely benign for Maturity-onset diabetes of the young. Review status: criteria provided, single submitter. Criteria: K & H Uppaluri Personalized Medicine Clinic Variant Classification & Assertion Criteria_Updated V.1. Collection method: research. Allele origin: unknown. Inheritance: Autosomal dominant inheritance.
Comment: Mutations in HNF1A gene can predispose to MODY3. It is associated with both micro and macrovascular complications of diabetes, especially cardiovascular complications. Associated with glucosuria. May respond well to sulfonylureas. However, more evidence is required to confer the association of this particular variant rs544842497 with MODY3.

Genetic Services Laboratory, University of Chicago
Classification: Uncertain significance. Last evaluated: 2022-06-22. Review status: no assertion criteria provided. Collection method: clinical testing. Allele origin: germline. Affected: no. Not counted in ClinVar's aggregate classification.
Comment: DNA sequence analysis of the HNF1A demonstrated a 27 base pair deletion in exon 7, c.1380_1406del. This in-frame deletion is predicted to result in the deletion of nine amino acid residues, p.Gln460_Leu468del. This deletion does not appear to have been previously described in individuals with HNF1A-related disorders. This deletion has been described in the gnomAD database with a frequency of 0.035% in the Latino/Admixed American subpopulation (dbSNP rs544842497). The functional significance of this sequence change is not known at present and its contribution to this individual's disease phenotype cannot definitively be determined.

Literature cited by the submitters: PubMed 31291970 (cited by Athena Diagnostics); PubMed 27059371 (cited by Athena Diagnostics); PubMed 31517624 (cited by Clinical Genomics, Uppaluri K&H Personalized Medicine Clinic); PubMed 32395877 (cited by Clinical Genomics, Uppaluri K&H Personalized Medicine Clinic); PubMed 35328643 (cited by Clinical Genomics, Uppaluri K&H Personalized Medicine Clinic); PubMed 35673428 (cited by Clinical Genomics, Uppaluri K&H Personalized Medicine Clinic).